The following is an entry in ClinVar:

ClinVar aggregate classification (germline): Uncertain significance. Review status: criteria provided, multiple submitters, no conflicts (2 of 4 stars). 3 submissions from 3 submitters: Uncertain significance (3). Last evaluated 2024-08-21.

Conditions:
Inborn genetic diseases. Identifiers: MedGen C0950123, MeSH D030342.

Allele frequency attached by ClinVar (database versions not stated): gnomAD exomes below 0.00001 and 0.00002; ExAC 0.00002; gnomAD 0.00006; TOPMed 0.00008; ESP Exome Variant Server 0.00023.
gnomAD v4.1: 15 of 1,614,084 alleles (0.00093%); highest among the groups gnomAD compares: African/African-American, 0.019%; no homozygotes.

Submissions (3):

Labcorp Genetics (formerly Invitae), Labcorp
Classification: Uncertain significance. Last evaluated: 2024-08-21. Review status: criteria provided, single submitter. Criteria: Invitae Variant Classification Sherloc (09022015). Collection method: clinical testing. Allele origin: germline.
Comment: This sequence change replaces threonine, which is neutral and polar, with asparagine, which is neutral and polar, at codon 149 of the EMC1 protein (p.Thr149Asn). This variant is present in population databases (rs142661057, gnomAD 0.03%). This variant has not been reported in the literature in individuals affected with EMC1-related conditions. ClinVar contains an entry for this variant (Variation ID: 1060399). Invitae Evidence Modeling of protein sequence and biophysical properties (such as structural, functional, and spatial information, amino acid conservation, physicochemical variation, residue mobility, and thermodynamic stability) indicates that this missense variant is not expected to disrupt EMC1 protein function with a negative predictive value of 80%. In summary, the available evidence is currently insufficient to determine the role of this variant in disease. Therefore, it has been classified as a Variant of Uncertain Significance.

Blueprint Genetics
Classification: Uncertain significance. Last evaluated: 2021-10-19. Review status: criteria provided, single submitter. Criteria: ACMG Guidelines, 2015. Collection method: clinical testing. Allele origin: germline.

Ambry Genetics
Classification: Uncertain significance for Inborn genetic diseases. Last evaluated: 2021-09-17. Review status: criteria provided, single submitter. Criteria: Ambry Variant Classification Scheme 2023. Collection method: clinical testing. Allele origin: germline.

NM_015047.3(EMC1):c.446C>A (p.Thr149Asn)

Gene: EMC1 (ER membrane protein complex subunit 1; minus strand). Cytogenetic location: 1p36.13.
Variant type: single nucleotide variant.
Coding change: c.446C>A on transcript NM_015047.3 (MANE Select); coding-DNA position 446, C replaced by A.
Protein change: p.Thr149Asn; replaces threonine 149 with asparagine.
Molecular consequence: missense variant.
Genome position (GRCh38, 1-based): chr1:19,242,408, G>T on the plus strand (C>A on the coding strand, the complement: EMC1 is on the minus strand). VCF-style: chr1-19242408-G-T. GRCh37 (hg19) VCF-style: chr1-19568902-G-T.
Other names: c.446C>A, p.Thr149Asn (NM_001271427.2, NM_001271428.2, NM_001375820.1 and 1 more transcripts); c.380C>A, p.Thr127Asn (NM_001271429.2); c.446C>A (NM_015047.1); short protein forms T127N, T149N.
Identifiers: ClinVar variation 1060399 (VCV001060399.9), dbSNP rs142661057, ClinGen allele CA652911.
Genomic context (GRCh38, chr1:19,242,408, plus strand): 5'-TCTGGGAGATGTTCCACCCACTTGAGGTGCCCACTGGAGAGGTGATGGAGGGCAAGTGTA[G>T]TCTTCTTCAGGACTGCGATGTACCTTACAGACTCCTGCAGGCCAACCAGCCCAAGTGCCT-3'
Protein context (NP_055862.1, residues 139-159): SVRYIAVLKK[Thr149Asn]TLALHHLSSG